The following is an entry in ClinVar:

NM_014727.3(KMT2B):c.4186dup (p.Ala1396fs)

Gene: KMT2B (lysine methyltransferase 2B; plus strand). Cytogenetic location: 19q13.12.
Variant type: Duplication.
Coding change: c.4186dup on transcript NM_014727.3 (MANE Select); coding-DNA position 4186, one base duplicated (G; older notation c.4186dupG).
Protein change: p.Ala1396fs; shifts the reading frame from alanine 1396.
Molecular consequence: frameshift variant.
Genome position (GRCh38, 1-based): chr19:35,727,506, G duplicated; the last of 4 consecutive G bases (chr19:35,727,503-35,727,506); duplicating any one gives the same sequence. VCF-style (leftmost placement, unchanged base first): chr19-35727502-T-TG. GRCh37 (hg19) VCF-style: chr19-36218403-T-TG.
Other names: short protein forms A1396fs.
Identifiers: ClinVar variation 3723042 (VCV003723042.2).
Genomic context (GRCh38, chr19:35,727,502, plus strand): 5'-AGACTACGAGATCCTTTCAGGACTGCCAGACTCGGTGCTGTACACCTGCGGACCGTGTGC[T>TG]GGGGCAGCGCAGCCCCGCTGGCGAGAGGCCCTGAGCGGGGCCCTCCAGGGGGGCCTGCGC-3'

ClinVar aggregate classification (germline): Pathogenic (1 of 4 stars; one submission).

Submission:

Labcorp Genetics (formerly Invitae), Labcorp
Classification: Pathogenic. Last evaluated: 2024-10-16. Review status: criteria provided, single submitter. Criteria: Invitae Variant Classification Sherloc (09022015). Collection method: clinical testing. Allele origin: germline.
Comment: This sequence change creates a premature translational stop signal (p.Ala1396Glyfs*282) in the KMT2B gene. It is expected to result in an absent or disrupted protein product. Loss-of-function variants in KMT2B are known to be pathogenic (PMID: 27839873, 27992417). This variant is not present in population databases (gnomAD no frequency). This variant has not been reported in the literature in individuals affected with KMT2B-related conditions. For these reasons, this variant has been classified as Pathogenic.

Literature cited by the submitters: PubMed 27839873; PubMed 27992417.